The following is an entry in ClinVar:

NM_020778.5(ALPK3):c.2160G>A (p.Met720Ile)

Gene: ALPK3 (alpha kinase 3; plus strand). Cytogenetic location: 15q25.3.
Variant type: single nucleotide variant.
Coding change: c.2160G>A on transcript NM_020778.5 (MANE Select); coding-DNA position 2160, G replaced by A.
Protein change: p.Met720Ile; replaces methionine 720 with isoleucine.
Molecular consequence: missense variant.
Genome position (GRCh38, 1-based): chr15:84,856,898, G>A. VCF-style: chr15-84856898-G-A. GRCh37 (hg19) VCF-style: chr15-85400129-G-A.
Other names: short protein forms M720I.
Identifiers: ClinVar variation 3617506 (VCV003617506.2).

ClinVar aggregate classification (germline): Uncertain significance (1 of 4 stars; one submission).

gnomAD v4.1: 1 of 1,614,004 alleles (0.000062%); highest among the groups gnomAD compares: East Asian, 0.0022%; no homozygotes.

Submission:

Labcorp Genetics (formerly Invitae), Labcorp
Classification: Uncertain significance. Last evaluated: 2024-06-30. Review status: criteria provided, single submitter. Criteria: Invitae Variant Classification Sherloc (09022015). Collection method: clinical testing. Allele origin: germline.
Comment: This sequence change replaces methionine, which is neutral and non-polar, with isoleucine, which is neutral and non-polar, at codon 922 of the ALPK3 protein (p.Met922Ile). This variant is present in population databases (rs772439697, gnomAD 0.006%). This variant has not been reported in the literature in individuals affected with ALPK3-related conditions. Algorithms developed to predict the effect of missense changes on protein structure and function output the following: SIFT: "Not Available"; PolyPhen-2: "Benign"; Align-GVGD: "Not Available". The isoleucine amino acid residue is found in multiple mammalian species, which suggests that this missense change does not adversely affect protein function. In summary, the available evidence is currently insufficient to determine the role of this variant in disease. Therefore, it has been classified as a Variant of Uncertain Significance.